The following is an entry in ClinVar:

ClinVar aggregate classification (germline): Uncertain significance (1 of 4 stars; one submission).

Conditions:
Duchenne muscular dystrophy (DMD). Also called: MUSCULAR DYSTROPHY, PSEUDOHYPERTROPHIC PROGRESSIVE, DUCHENNE TYPE; Duchenne Muscular Dystrophy (DMD). Identifiers: Orphanet 98896, MedGen C0013264, MONDO:0010679, OMIM 310200.

Allele frequency attached by ClinVar (database versions not stated): gnomAD exomes below 0.00001; gnomAD 0.00001.
gnomAD v4.1: 6 of 1,208,002 alleles (0.0005%); highest among the groups gnomAD compares: South Asian, 0.0035%; no homozygotes.

Submission:

Labcorp Genetics (formerly Invitae), Labcorp
Classification: Uncertain significance for Duchenne muscular dystrophy. Last evaluated: 2026-02-01. Review status: criteria provided, single submitter. Criteria: Invitae Variant Classification Sherloc (09022015). Collection method: clinical testing. Allele origin: germline.
Comment: This sequence change replaces serine, which is neutral and polar, with arginine, which is basic and polar, at codon 572 of the DMD protein (p.Ser572Arg). This variant is present in population databases (no rsID available, gnomAD 0.09%). This variant has not been reported in the literature in individuals affected with DMD-related conditions. ClinVar contains an entry for this variant (Variation ID: 2854715). Invitae Evidence Modeling of protein sequence and biophysical properties (such as structural, functional, and spatial information, amino acid conservation, physicochemical variation, residue mobility, and thermodynamic stability) indicates that this missense variant is not expected to disrupt DMD protein function with a negative predictive value of 95%. In summary, the available evidence is currently insufficient to determine the role of this variant in disease. Therefore, it has been classified as a Variant of Uncertain Significance.

NM_004006.3(DMD):c.1716T>A (p.Ser572Arg)

Gene: DMD (dystrophin; minus strand). Cytogenetic location: Xp21.1.
Variant type: single nucleotide variant.
Coding change: c.1716T>A on transcript NM_004006.3 (MANE Select); coding-DNA position 1716, T replaced by A.
Protein change: p.Ser572Arg; replaces serine 572 with arginine.
Molecular consequence: missense variant.
Genome position (GRCh38, 1-based): chrX:32,573,626, A>T on the plus strand (T>A on the coding strand, the complement: DMD is on the minus strand). VCF-style: chrX-32573626-A-T. GRCh37 (hg19) VCF-style: chrX-32591743-A-T.
Other names: c.1692T>A, p.Ser564Arg (NM_000109.4); c.1704T>A, p.Ser568Arg (NM_004009.3); c.1347T>A, p.Ser449Arg (NM_004010.3); short protein forms S564R, S449R, S572R, S568R.
Identifiers: ClinVar variation 2854715 (VCV002854715.3), dbSNP rs1259478321, ClinGen allele CA412673277.